The following is an entry in ClinVar:

ClinVar aggregate classification (germline): Pathogenic (1 of 4 stars; one submission).

Submission:

Labcorp Genetics (formerly Invitae), Labcorp
Classification: Pathogenic. Last evaluated: 2023-06-04. Review status: criteria provided, single submitter. Criteria: Invitae Variant Classification Sherloc (09022015). Collection method: clinical testing. Allele origin: unknown.
Comment: For these reasons, this variant has been classified as Pathogenic. This variant disrupts a region of the AUTS2 protein in which other variant(s) (p.Glu894Lys) have been determined to be pathogenic (Invitae). This suggests that this is a clinically significant region of the protein, and that variants that disrupt it are likely to be disease-causing. This variant has not been reported in the literature in individuals affected with AUTS2-related conditions. This variant is a gross deletion of the genomic region encompassing exon(s) 15-19 of the AUTS2 gene, which includes the termination codon. This deletion extends beyond the assayed region for this gene and therefore may encompass additional genes. While this deletion is not anticipated to lead to nonsense mediated decay, it is expected to alter mRNA translation or result in a truncated protein product.

NC_000007.13:g.(?_70246581)_(70255982_?)del

Gene: AUTS2 (activator of transcription and developmental regulator AUTS2; plus strand). Cytogenetic location: 7q11.22.
Variant type: Deletion.
Identifiers: ClinVar variation 3245909 (VCV003245909.1).